The following is an entry in ClinVar:

ClinVar aggregate classification (germline): Uncertain significance (1 of 4 stars; one submission).

Submission:

Labcorp Genetics (formerly Invitae), Labcorp
Classification: Uncertain significance. Last evaluated: 2024-05-06. Review status: criteria provided, single submitter. Criteria: Invitae Variant Classification Sherloc (09022015). Collection method: clinical testing. Allele origin: germline.
Comment: This sequence change replaces serine, which is neutral and polar, with leucine, which is neutral and non-polar, at codon 885 of the MSH3 protein (p.Ser885Leu). This variant is not present in population databases (gnomAD no frequency). This variant has not been reported in the literature in individuals affected with MSH3-related conditions. ClinVar contains an entry for this variant (Variation ID: 947668). Algorithms developed to predict the effect of missense changes on protein structure and function output the following: SIFT: "Not Available"; PolyPhen-2: "Benign"; Align-GVGD: "Not Available". The leucine amino acid residue is found in multiple mammalian species, which suggests that this missense change does not adversely affect protein function. In summary, the available evidence is currently insufficient to determine the role of this variant in disease. Therefore, it has been classified as a Variant of Uncertain Significance.

NM_002439.5(MSH3):c.2654C>T (p.Ser885Leu)

Gene: MSH3 (mutS homolog 3; plus strand). Cytogenetic location: 5q14.1.
Variant type: single nucleotide variant.
Coding change: c.2654C>T on transcript NM_002439.5 (MANE Select); coding-DNA position 2654, C replaced by T.
Protein change: p.Ser885Leu; replaces serine 885 with leucine.
Molecular consequence: missense variant.
Genome position (GRCh38, 1-based): chr5:80,792,843, C>T. VCF-style: chr5-80792843-C-T. GRCh37 (hg19) VCF-style: chr5-80088662-C-T.
Other names: short protein forms S885L.
Identifiers: ClinVar variation 947668 (VCV000947668.9), dbSNP rs1744632481, ClinGen allele CA360273071.